The following is an entry in ClinVar:

NM_001258392.3(CLPB):c.911G>A (p.Arg304Gln)

Gene: CLPB (ClpB family mitochondrial disaggregase; minus strand). Cytogenetic location: 11q13.4.
Variant type: single nucleotide variant.
Coding change: c.911G>A on transcript NM_001258392.3 (MANE Select); coding-DNA position 911, G replaced by A.
Protein change: p.Arg304Gln; replaces arginine 304 with glutamine.
Molecular consequence: missense variant.
Genome position (GRCh38, 1-based): chr11:72,317,183, C>T on the plus strand (G>A on the coding strand, the complement: CLPB is on the minus strand). VCF-style: chr11-72317183-C-T. GRCh37 (hg19) VCF-style: chr11-72028227-C-T.
Other names: c.824G>A, p.Arg275Gln (NM_001258393.3); c.866G>A, p.Arg289Gln (NM_001258394.3); c.1001G>A, p.Arg334Gln (NM_030813.6); short protein forms R275Q, R289Q, R304Q, R334Q.
Identifiers: ClinVar variation 3619510 (VCV003619510.2).

ClinVar aggregate classification (germline): Uncertain significance (1 of 4 stars; one submission).

Conditions:
3-methylglutaconic aciduria, type VIIB (MGCA7B). Also called: 3-methylglutaconic aciduria, type VII, with cataracts, neurologic involvement and neutropenia; CLPB Deficiency; 3-methylglutaconic aciduria with cataracts, neurologic involvement and neutropenia. Identifiers: Orphanet 445038, MedGen C5676893, MONDO:0014561, OMIM 616271.

gnomAD v4.1: 9 of 1,612,210 alleles (0.00056%); highest among the groups gnomAD compares: South Asian, 0.0044%; no homozygotes.

Submission:

Labcorp Genetics (formerly Invitae), Labcorp
Classification: Uncertain significance for 3-methylglutaconic aciduria, type VIIB. Last evaluated: 2024-09-02. Review status: criteria provided, single submitter. Criteria: Invitae Variant Classification Sherloc (09022015). Collection method: clinical testing. Allele origin: germline.
Comment: This sequence change replaces arginine, which is basic and polar, with glutamine, which is neutral and polar, at codon 334 of the CLPB protein (p.Arg334Gln). This variant is present in population databases (rs777990580, gnomAD 0.005%). This variant has not been reported in the literature in individuals affected with CLPB-related conditions. An algorithm developed to predict the effect of missense changes on protein structure and function (PolyPhen-2) suggests that this variant is likely to be disruptive. In summary, the available evidence is currently insufficient to determine the role of this variant in disease. Therefore, it has been classified as a Variant of Uncertain Significance.